The following is an entry in ClinVar:

NM_001035.3(RYR2):c.4864T>C (p.Leu1622=)

Gene: RYR2 (ryanodine receptor 2; plus strand). Cytogenetic location: 1q43.
Variant type: single nucleotide variant.
Coding change: c.4864T>C on transcript NM_001035.3 (MANE Select); coding-DNA position 4864, T replaced by C.
Protein change: p.Leu1622=; no amino-acid change (leucine 1622 retained).
Molecular consequence: synonymous variant.
Genome position (GRCh38, 1-based): chr1:237,610,942, T>C. VCF-style: chr1-237610942-T-C. GRCh37 (hg19) VCF-style: chr1-237774242-T-C.
Identifiers: ClinVar variation 792168 (VCV000792168.9), dbSNP rs1255793710, ClinGen allele CA424031063.

ClinVar aggregate classification (germline): Likely benign. Review status: criteria provided, multiple submitters, no conflicts (2 of 4 stars). 3 submissions from 3 submitters: Likely benign (3). Last evaluated 2024-04-25.

Conditions:
Catecholaminergic polymorphic ventricular tachycardia (CVPT). Also called: Catecholamine-induced polymorphic ventricular tachycardia. Identifiers: Orphanet 3286, MedGen C5574922, MONDO:0017990.
Cardiomyopathy (CMYO). Also called: Cardiomyopathies. Identifiers: Orphanet 167848, MedGen C0878544, MONDO:0004994, HP:0001638. Inheritance: Various modes of inheritance.

Allele frequency attached by ClinVar (database versions not stated): gnomAD exomes below 0.00001; TOPMed below 0.00001.
gnomAD v4.1: 1 of 1,613,582 alleles (0.000062%); highest among the groups gnomAD compares: Admixed American, 0.0017%; no homozygotes.

Submissions (3):

All of Us Research Program, National Institutes of Health
Classification: Likely benign for Catecholaminergic polymorphic ventricular tachycardia. Last evaluated: 2024-04-25. Review status: criteria provided, single submitter. Criteria: ACMG Guidelines, 2015. Collection method: clinical testing. Allele origin: germline. Inheritance: Autosomal dominant inheritance. Observed: 1 variant allele, 1 heterozygote.
Comment: This study involves interpretation of variants in research participants for the purpose of population health screening. Participant phenotype was not available at the time of variant classification. Additional details can be found in publication PMID: 35346344, PMCID: PMC8962531

Color Diagnostics, LLC DBA Color Health
Classification: Likely benign for Cardiomyopathy. Last evaluated: 2022-11-06. Review status: criteria provided, single submitter. Criteria: ACMG Guidelines, 2015. Collection method: clinical testing. Allele origin: germline.

Labcorp Genetics (formerly Invitae), Labcorp
Classification: Likely benign for Catecholaminergic polymorphic ventricular tachycardia 1. Last evaluated: 2018-10-06. Review status: criteria provided, single submitter. Criteria: Invitae Variant Classification Sherloc (09022015). Collection method: clinical testing. Allele origin: germline.